The following is an entry in ClinVar:

ClinVar aggregate classification (germline): Likely benign (1 of 4 stars; one submission).

Allele frequency attached by ClinVar (database versions not stated): gnomAD exomes 0.00146; gnomAD 0.00992 and 0.01043; 1000 Genomes Project 0.01139; TOPMed 0.01212; 1000 Genomes Project 30x 0.01394.
gnomAD v4.1: 1,299 of 251,558 alleles (0.52%); highest among the groups gnomAD compares: African/African-American, 3.5%; 17 homozygotes.

Submission:

GeneDx
Classification: Likely benign. Last evaluated: 2018-06-19. Review status: criteria provided, single submitter. Criteria: GeneDx Variant Classification (06012015). Collection method: clinical testing. Allele origin: germline. Affected: yes.
Comment: This variant is considered likely benign or benign based on one or more of the following criteria: it is a conservative change, it occurs at a poorly conserved position in the protein, it is predicted to be benign by multiple in silico algorithms, and/or has population frequency not consistent with disease.

NM_005765.3(ATP6AP2):c.300+309G>C

Gene: ATP6AP2 (ATPase H+ transporting accessory protein 2; plus strand). Cytogenetic location: Xp11.4.
Variant type: single nucleotide variant.
Coding change: c.300+309G>C on transcript NM_005765.3 (MANE Select); 309 bases into the intron after coding-DNA position 300, G replaced by C.
Molecular consequence: intron variant.
Genome position (GRCh38, 1-based): chrX:40,591,674, G>C. VCF-style: chrX-40591674-G-C. GRCh37 (hg19) VCF-style: chrX-40450926-G-C.
Identifiers: ClinVar variation 674231 (VCV000674231.1), dbSNP rs143698053, ClinGen allele CA328985737.